The following is an entry in ClinVar:

ClinVar aggregate classification (germline): Likely benign. Review status: criteria provided, multiple submitters, no conflicts (2 of 4 stars). 2 submissions from 2 submitters: Likely benign (2). Last evaluated 2025-04-14.

Allele frequency attached by ClinVar (database versions not stated): ExAC 0.00001; gnomAD 0.00001; gnomAD exomes 0.00001; TOPMed 0.00002; ESP Exome Variant Server 0.00008.

Submissions (2):

Labcorp Genetics (formerly Invitae), Labcorp
Classification: Likely benign. Last evaluated: 2025-04-14. Review status: criteria provided, single submitter. Criteria: Invitae Variant Classification Sherloc (09022015). Collection method: clinical testing. Allele origin: germline.

GeneDx
Classification: Likely benign. Last evaluated: 2017-02-28. Review status: criteria provided, single submitter. Criteria: GeneDx Variant Classification (06012015). Collection method: clinical testing. Allele origin: germline. Affected: yes.
Comment: This variant is considered likely benign or benign based on one or more of the following criteria: it is a conservative change, it occurs at a poorly conserved position in the protein, it is predicted to be benign by multiple in silico algorithms, and/or has population frequency not consistent with disease.

NM_001151.4(SLC25A4):c.267C>T (p.Phe89=)

Gene: SLC25A4 (solute carrier family 25 member 4; plus strand). Cytogenetic location: 4q35.1.
Variant type: single nucleotide variant.
Coding change: c.267C>T on transcript NM_001151.4 (MANE Select); coding-DNA position 267, C replaced by T.
Protein change: p.Phe89=; no amino-acid change (phenylalanine 89 retained).
Molecular consequence: synonymous variant.
Genome position (GRCh38, 1-based): chr4:185,144,919, C>T. VCF-style: chr4-185144919-C-T. GRCh37 (hg19) VCF-style: chr4-186066073-C-T.
Identifiers: ClinVar variation 507539 (VCV000507539.8), dbSNP rs148815021, ClinGen allele CA3156443.